The following is an entry in ClinVar:

ClinVar aggregate classification (germline): Conflicting classifications of pathogenicity. Review status: criteria provided, conflicting classifications (1 of 4 stars). 2 submissions from 2 submitters: Uncertain significance (1); Likely benign (1). Last evaluated 2024-01-30.

Conditions:
Inborn genetic diseases. Identifiers: MedGen C0950123, MeSH D030342.

Allele frequency attached by ClinVar (database versions not stated): ExAC 0.00003; gnomAD 0.00004; gnomAD exomes 0.00004; TOPMed 0.00004.
gnomAD v4.1: 65 of 1,614,086 alleles (0.004%); highest among the groups gnomAD compares: Middle Eastern, 0.082%; no homozygotes.

Submissions (2):

Labcorp Genetics (formerly Invitae), Labcorp
Classification: Uncertain significance. Last evaluated: 2024-01-30. Review status: criteria provided, single submitter. Criteria: Invitae Variant Classification Sherloc (09022015). Collection method: clinical testing. Allele origin: germline.
Comment: This sequence change replaces asparagine, which is neutral and polar, with serine, which is neutral and polar, at codon 530 of the SLC1A3 protein (p.Asn530Ser). This variant is present in population databases (rs753745170, gnomAD 0.005%). This variant has not been reported in the literature in individuals affected with SLC1A3-related conditions. ClinVar contains an entry for this variant (Variation ID: 2362703). Algorithms developed to predict the effect of missense changes on protein structure and function output the following: SIFT: "Not Available"; PolyPhen-2: "Benign"; Align-GVGD: "Not Available". The serine amino acid residue is found in multiple mammalian species, which suggests that this missense change does not adversely affect protein function. In summary, the available evidence is currently insufficient to determine the role of this variant in disease. Therefore, it has been classified as a Variant of Uncertain Significance.

Ambry Genetics
Classification: Likely benign for Inborn genetic diseases. Last evaluated: 2022-03-28. Review status: criteria provided, single submitter. Criteria: Ambry Variant Classification Scheme 2023. Collection method: clinical testing. Allele origin: germline.

NM_004172.5(SLC1A3):c.1589A>G (p.Asn530Ser)

Genes: SLC1A3 (solute carrier family 1 member 3; plus strand), SLC1A3-AS1 (SLC1A3 antisense RNA 1; minus strand). Cytogenetic location: 5p13.2.
Variant type: single nucleotide variant.
Coding change: c.1589A>G on transcript NM_004172.5 (MANE Select); coding-DNA position 1589, A replaced by G.
Protein change: p.Asn530Ser; replaces asparagine 530 with serine.
Molecular consequence: missense variant.
Genome position (GRCh38, 1-based): chr5:36,686,229, A>G. VCF-style: chr5-36686229-A-G. GRCh37 (hg19) VCF-style: chr5-36686331-A-G.
Other names: c.1454A>G, p.Asn485Ser (NM_001166695.3); c.1451A>G, p.Asn484Ser (NM_001289939.2); c.1253A>G, p.Asn418Ser (NM_001289940.2); short protein forms N484S, N485S, N418S, N530S.
Identifiers: ClinVar variation 2362703 (VCV002362703.5), dbSNP rs753745170, ClinGen allele CA3235704.